The following is an entry in ClinVar:

NM_006660.5(CLPX):c.46C>A (p.Leu16Ile)

Gene: CLPX (caseinolytic mitochondrial matrix peptidase chaperone subunit X; minus strand). Cytogenetic location: 15q22.31.
Variant type: single nucleotide variant.
Coding change: c.46C>A on transcript NM_006660.5 (MANE Select); coding-DNA position 46, C replaced by A.
Protein change: p.Leu16Ile; replaces leucine 16 with isoleucine.
Molecular consequence: missense variant. On other transcripts: non-coding transcript variant (1).
Genome position (GRCh38, 1-based): chr15:65,185,108, G>T on the plus strand (C>A on the coding strand, the complement: CLPX is on the minus strand). VCF-style: chr15-65185108-G-T. GRCh37 (hg19) VCF-style: chr15-65477446-G-T.
Other names: short protein forms L16I.
Identifiers: ClinVar variation 2973942 (VCV002973942.3), dbSNP rs1323049446, ClinGen allele CA392848146.

ClinVar aggregate classification (germline): Uncertain significance (1 of 4 stars; one submission).

Allele frequency attached by ClinVar (database versions not stated): gnomAD 0.00002.
gnomAD v4.1: 8 of 1,583,832 alleles (0.00051%); highest among the groups gnomAD compares: Non-Finnish European, 0.00069%; no homozygotes.

Submission:

Labcorp Genetics (formerly Invitae), Labcorp
Classification: Uncertain significance. Last evaluated: 2023-06-06. Review status: criteria provided, single submitter. Criteria: Invitae Variant Classification Sherloc (09022015). Collection method: clinical testing. Allele origin: germline.
Comment: This sequence change replaces leucine, which is neutral and non-polar, with isoleucine, which is neutral and non-polar, at codon 16 of the CLPX protein (p.Leu16Ile). This variant is not present in population databases (gnomAD no frequency). This variant has not been reported in the literature in individuals affected with CLPX-related conditions. Algorithms developed to predict the effect of missense changes on protein structure and function output the following: SIFT: "Not Available"; PolyPhen-2: "Benign"; Align-GVGD: "Not Available". The isoleucine amino acid residue is found in multiple mammalian species, which suggests that this missense change does not adversely affect protein function. In summary, the available evidence is currently insufficient to determine the role of this variant in disease. Therefore, it has been classified as a Variant of Uncertain Significance.